The following is an entry in ClinVar:

NM_033026.6(PCLO):c.11719T>C (p.Ser3907Pro)

Gene: PCLO (piccolo presynaptic cytomatrix protein; minus strand). Cytogenetic location: 7q21.11.
Variant type: single nucleotide variant.
Coding change: c.11719T>C on transcript NM_033026.6 (MANE Select); coding-DNA position 11719, T replaced by C.
Protein change: p.Ser3907Pro; replaces serine 3907 with proline.
Molecular consequence: missense variant.
Genome position (GRCh38, 1-based): chr7:82,916,267, A>G on the plus strand (T>C on the coding strand, the complement: PCLO is on the minus strand). VCF-style: chr7-82916267-A-G. GRCh37 (hg19) VCF-style: chr7-82545583-A-G.
Other names: c.11719T>C, p.Ser3907Pro (NM_014510.3); short protein forms S3907P.
Identifiers: ClinVar variation 1425207 (VCV001425207.4), dbSNP rs371134285, ClinGen allele CA4319513.
Genomic context (GRCh38, chr7:82,916,267, plus strand): 5'-TTGGCTGAGTCTGATAAGGTGAAACTTGCTGATGGTACAAAGTTTGTTGCTCAAAATGAG[A>G]CTGTTGAGTGTATGAGGTGGGTGCTTGGGTAGGAAGAGCAGGGGAAGAGTACTGGTATTG-3'
Protein context (NP_149015.2, residues 3897-3917): TQAPTSYTQQ[Ser3907Pro]HFEQQTLYHQ

ClinVar aggregate classification (germline): Uncertain significance (1 of 4 stars; one submission).

Allele frequency attached by ClinVar (database versions not stated): gnomAD 0.00006; ExAC 0.00007; gnomAD exomes 0.00007 and 0.00011; TOPMed 0.00007; ESP Exome Variant Server 0.00016.
gnomAD v4.1: 174 of 1,613,502 alleles (0.011%); highest among the groups gnomAD compares: Non-Finnish European, 0.014%; no homozygotes.

Submission:

Labcorp Genetics (formerly Invitae), Labcorp
Classification: Uncertain significance. Last evaluated: 2025-01-20. Review status: criteria provided, single submitter. Criteria: Invitae Variant Classification Sherloc (09022015). Collection method: clinical testing. Allele origin: germline.
Comment: This sequence change replaces serine, which is neutral and polar, with proline, which is neutral and non-polar, at codon 3907 of the PCLO protein (p.Ser3907Pro). This variant is present in population databases (rs371134285, gnomAD 0.01%). This variant has not been reported in the literature in individuals affected with PCLO-related conditions. ClinVar contains an entry for this variant (Variation ID: 1425207). Experimental studies and prediction algorithms are not available or were not evaluated, and the functional significance of this variant is currently unknown. In summary, the available evidence is currently insufficient to determine the role of this variant in disease. Therefore, it has been classified as a Variant of Uncertain Significance.